The following is an entry in ClinVar:

ClinVar aggregate classification (germline): Uncertain significance. Review status: criteria provided, multiple submitters, no conflicts (2 of 4 stars). 4 submissions from 4 submitters: Uncertain significance (4). Last evaluated 2025-10-23.

Conditions:
Hereditary cancer-predisposing syndrome. Also called: Tumor predisposition; Hereditary neoplastic syndrome; Neoplastic Syndromes, Hereditary; Hereditary Cancer Syndrome. Identifiers: Orphanet 140162, MedGen C0027672, MeSH D009386, MONDO:0015356.
Familial cancer of breast. Also called: BREAST CANCER, FAMILIAL; hereditary breast carcinoma; Hereditary breast cancer. Identifiers: Orphanet 227535, MedGen C0346153, MONDO:0016419, OMIM 114480. Disease mechanism: loss of function.
Fanconi anemia complementation group J. Also called: BRIP1-Related Fanconi Anemia. Identifiers: Orphanet 84, MedGen C1836860, MONDO:0012187, OMIM 609054.
Familial ovarian cancer. Identifiers: MedGen C5679802, MONDO:0016248.

gnomAD v4.1: 4 of 1,613,870 alleles (0.00025%); highest among the groups gnomAD compares: Non-Finnish European, 0.00025%; no homozygotes.

Submissions (4):

Dasa
Classification: Uncertain significance for Familial ovarian cancer. Last evaluated: 2025-10-23. Review status: criteria provided, single submitter. Criteria: DASA Assertion Criteria. Collection method: clinical testing. Allele origin: germline.
Comment: NM_032043.3(BRIP1):c.627+3A>G is a splice-region variant predicted to affect normal RNA splicing. This variant is rare in population databases. The currently available literature and clinical evidence are not sufficient to establish a definitive association between this variant and the reported condition. Therefore, this variant is classified as a variant of uncertain significance.

Ambry Genetics
Classification: Uncertain significance for Hereditary cancer-predisposing syndrome. Last evaluated: 2025-07-31. Review status: criteria provided, single submitter. Criteria: Ambry Variant Classification Scheme 2023. Collection method: clinical testing. Allele origin: germline.
Comment: The c.627+3A>G intronic variant results from an A to G substitution 3 nucleotides after coding exon 5 in the BRIP1 gene. This nucleotide position is highly conserved in available vertebrate species. In silico splice site analysis for this alteration is inconclusive. RNA studies have demonstrated that this alteration results in an incomplete splice defect; the clinical impact of this abnormal splicing is unknown at this time (Ambry internal data). Since supporting evidence is limited at this time, the clinical significance of this alteration remains unclear.

Color Diagnostics, LLC DBA Color Health
Classification: Uncertain significance for Hereditary cancer-predisposing syndrome. Last evaluated: 2025-02-25. Review status: criteria provided, single submitter. Criteria: ACMG Guidelines, 2015. Collection method: clinical testing. Allele origin: germline.
Comment: This variant causes an A>G nucleotide substitution at the +3 position of intron 6 of the BRIP1 gene. Splice site prediction tools suggest that this variant may impact RNA splicing. However, this prediction has not been confirmed in published RNA studies. This variant has not been reported in individuals affected with hereditary cancer in the literature. This variant has not been identified in the general population by the Genome Aggregation Database (gnomAD). The available evidence is insufficient to determine the role of this variant in disease conclusively. Therefore, this variant is classified as a Variant of Uncertain Significance.

Labcorp Genetics (formerly Invitae), Labcorp
Classification: Uncertain significance for Familial cancer of breast; Fanconi anemia complementation group J. Last evaluated: 2024-05-01. Review status: criteria provided, single submitter. Criteria: Invitae Variant Classification Sherloc (09022015). Collection method: clinical testing. Allele origin: germline.
Comment: This sequence change falls in intron 6 of the BRIP1 gene. It does not directly change the encoded amino acid sequence of the BRIP1 protein. It affects a nucleotide within the consensus splice site. This variant is not present in population databases (gnomAD no frequency). This variant has not been reported in the literature in individuals affected with BRIP1-related conditions. ClinVar contains an entry for this variant (Variation ID: 483180). Variants that disrupt the consensus splice site are a relatively common cause of aberrant splicing (PMID: 17576681, 9536098). Algorithms developed to predict the effect of sequence changes on RNA splicing suggest that this variant may disrupt the consensus splice site. In summary, the available evidence is currently insufficient to determine the role of this variant in disease. Therefore, it has been classified as a Variant of Uncertain Significance.

Literature cited by the submitters: PubMed 17576681 (cited by Labcorp Genetics (formerly Invitae), Labcorp); PubMed 9536098 (cited by Labcorp Genetics (formerly Invitae), Labcorp).

NM_032043.3(BRIP1):c.627+3A>G

Gene: BRIP1 (BRCA1 interacting DNA helicase 1; minus strand). Cytogenetic location: 17q23.2.
Variant type: single nucleotide variant.
Coding change: c.627+3A>G on transcript NM_032043.3 (MANE Select); 3 bases into the intron after coding-DNA position 627, A replaced by G.
Molecular consequence: intron variant.
Genome position (GRCh38, 1-based): chr17:61,847,098, T>C on the plus strand (A>G on the coding strand, the complement: BRIP1 is on the minus strand). VCF-style: chr17-61847098-T-C. GRCh37 (hg19) VCF-style: chr17-59924459-T-C.
Identifiers: ClinVar variation 483180 (VCV000483180.24), dbSNP rs777434654, ClinGen allele CA658658684.